The following is an entry in ClinVar:

NM_004260.4(RECQL4):c.3618G>A (p.Val1206=)

Gene: RECQL4 (RecQ like helicase 4; minus strand). Cytogenetic location: 8q24.3.
Variant type: single nucleotide variant.
Coding change: c.3618G>A on transcript NM_004260.4 (MANE Select); coding-DNA position 3618, G replaced by A.
Protein change: p.Val1206=; no amino-acid change (valine 1206 retained).
Molecular consequence: synonymous variant.
Genome position (GRCh38, 1-based): chr8:144,511,440, C>T on the plus strand (G>A on the coding strand, the complement: RECQL4 is on the minus strand). VCF-style: chr8-144511440-C-T. GRCh37 (hg19) VCF-style: chr8-145736823-C-T.
Identifiers: ClinVar variation 640422 (VCV000640422.3), dbSNP rs754822264, ClinGen allele CA4947623.

ClinVar aggregate classification (germline): Uncertain significance (1 of 4 stars; one submission).

Conditions:
Baller-Gerold syndrome (BGS). Also called: CRANIOSYNOSTOSIS WITH RADIAL DEFECTS. Identifiers: Orphanet 1225, MedGen C0265308, MONDO:0009039, OMIM 218600.

Allele frequency attached by ClinVar (database versions not stated): gnomAD exomes below 0.00001; TOPMed below 0.00001; ExAC 0.00001; gnomAD 0.00001.
gnomAD v4.1: 3 of 1,612,310 alleles (0.00019%); highest among the groups gnomAD compares: Non-Finnish European, 0.00025%; no homozygotes.

Submission:

Labcorp Genetics (formerly Invitae), Labcorp
Classification: Uncertain significance for Baller-Gerold syndrome. Last evaluated: 2022-10-21. Review status: criteria provided, single submitter. Criteria: Invitae Variant Classification Sherloc (09022015). Collection method: clinical testing. Allele origin: germline.
Comment: This sequence change affects codon 1206 of the RECQL4 mRNA. It is a 'silent' change, meaning that it does not change the encoded amino acid sequence of the RECQL4 protein. The frequency data for this variant in the population databases is considered unreliable, as metrics indicate poor data quality at this position in the gnomAD database. This variant has not been reported in the literature in individuals affected with RECQL4-related conditions. ClinVar contains an entry for this variant (Variation ID: 640422). Algorithms developed to predict the effect of sequence changes on RNA splicing suggest that this variant may create or strengthen a splice site. In summary, the available evidence is currently insufficient to determine the role of this variant in disease. Therefore, it has been classified as a Variant of Uncertain Significance.